The following is an entry in ClinVar:

NM_001035.3(RYR2):c.527G>A (p.Arg176Gln)

Gene: RYR2 (ryanodine receptor 2; plus strand). Cytogenetic location: 1q43.
Variant type: single nucleotide variant.
Coding change: c.527G>A on transcript NM_001035.3 (MANE Select); coding-DNA position 527, G replaced by A.
Protein change: p.Arg176Gln; replaces arginine 176 with glutamine.
Molecular consequence: missense variant.
Genome position (GRCh38, 1-based): chr1:237,377,386, G>A. VCF-style: chr1-237377386-G-A. GRCh37 (hg19) VCF-style: chr1-237540686-G-A.
Other names: p.R176Q:CGA>CAA; c.527G>A, p.Arg176Gln (LRG_402t1); short protein forms R176Q.
Identifiers: ClinVar variation 201194 (VCV000201194.19), dbSNP rs794728708, ClinGen allele CA009819.

ClinVar aggregate classification (germline): Pathogenic. Review status: criteria provided, multiple submitters, no conflicts (2 of 4 stars). 7 submissions from 7 submitters: Pathogenic (7). Last evaluated 2025-03-17.

Conditions:
RYR2-related disorder. Also called: RYR2-related condition.
Cardiovascular phenotype. Identifiers: MedGen CN230736.
Catecholaminergic polymorphic ventricular tachycardia 1. Also called: VENTRICULAR TACHYCARDIA, CATECHOLAMINERGIC POLYMORPHIC, 1, WITH OR WITHOUT ATRIAL DYSFUNCTION AND/OR DILATED CARDIOMYOPATHY; RYR2-Related Catecholaminergic Polymorphic Ventricular Tachycardia; VENTRICULAR TACHYCARDIA, STRESS-INDUCED POLYMORPHIC 1. Identifiers: Orphanet 3286, MedGen C1631597, MONDO:0011484, OMIM 604772.
Arrhythmogenic right ventricular dysplasia 2. Identifiers: MedGen C1832931.

Submissions (7):

Ambry Genetics
Classification: Pathogenic for Cardiovascular phenotype. Last evaluated: 2025-03-17. Review status: criteria provided, single submitter. Criteria: Ambry Variant Classification Scheme 2023. Collection method: clinical testing. Allele origin: germline.
Comment: The p.R176Q pathogenic mutation (also known as c.527G>A), located in coding exon 8 of the RYR2 gene, results from a G to A substitution at nucleotide position 527. The arginine at codon 176 is replaced by glutamine, an amino acid with highly similar properties. This alteration has been reported in association with arrhythmia phenotypes, including detection in individuals with syncope with and without reported QTc prolongation, and catecholaminergic polymorphic ventricular tachycardia (CPVT) (Tester DJ et al. Heart Rhythm, 2005 Oct;2:1099-105; Medeiros-Domingo A et al. J. Am. Coll. Cardiol., 2009 Nov;54:2065-74; Berge KE et al. Scand. J. Clin. Lab. Invest., 2008;68:362-8; Haugaa KH et al. Europace, 2010 Mar;12:417-23). This alteration has also been reported to co-occur with a second RYR2 variant in a family with arrhythmogenic right ventricular cardiomyopathy (Tiso N et al. Hum. Mol. Genet., 2001 Feb;10:189-94). In addition, inducible ventricular arrhythmias including bi-directional and polymorphic ventricular tachycardia have been demonstrated in mouse models expressing p.R176Q (Kannankeril PJ et al. Proc. Natl. Acad. Sci. U.S.A., 2006 Aug;103:12179-84; Li N. Int. J. Cardiol. 2017 Jan;227:668-673). This variant is considered to be rare based on population cohorts in the Genome Aggregation Database (gnomAD). In addition, this alteration is predicted to be deleterious by in silico analysis. Based on the supporting evidence, this alteration is interpreted as a disease-causing mutation.

Labcorp Genetics (formerly Invitae), Labcorp
Classification: Pathogenic for Catecholaminergic polymorphic ventricular tachycardia 1. Last evaluated: 2024-10-16. Review status: criteria provided, single submitter. Criteria: Invitae Variant Classification Sherloc (09022015). Collection method: clinical testing. Allele origin: germline.
Comment: This sequence change replaces arginine, which is basic and polar, with glutamine, which is neutral and polar, at codon 176 of the RYR2 protein (p.Arg176Gln). This variant is not present in population databases (gnomAD no frequency). This missense change has been observed in individual(s) with catecholaminergic polymorphic ventricular tachycardia (PMID: 11159936, 16188589, 18752142, 20106799; internal data). In at least one individual the variant was observed to be de novo. ClinVar contains an entry for this variant (Variation ID: 201194). Invitae Evidence Modeling of protein sequence and biophysical properties (such as structural, functional, and spatial information, amino acid conservation, physicochemical variation, residue mobility, and thermodynamic stability) indicates that this missense variant is expected to disrupt RYR2 protein function with a positive predictive value of 95%. Experimental studies have shown that this missense change affects RYR2 function (PMID: 16873551, 20157052, 27482086). For these reasons, this variant has been classified as Pathogenic.

Daryl Scott Lab, Baylor College of Medicine
Classification: Pathogenic for RYR2-related disorder. Last evaluated: 2024-01-01. Review status: criteria provided, single submitter. Criteria: ACMG Guidelines, 2015. Collection method: clinical testing. Allele origin: maternal. Affected: yes. Observed: 1 heterozygote.
Comment: PS2, PS3, PS4, PM1, PM2, PP3

Institute of Medical Genetics and Applied Genomics, University Hospital Tübingen
Classification: Pathogenic. Last evaluated: 2021-09-15. Review status: criteria provided, single submitter. Criteria: ACMG Guidelines, 2015. Collection method: clinical testing. Allele origin: germline. Inheritance: Autosomal dominant inheritance. Affected: yes.

GeneDx
Classification: Pathogenic. Last evaluated: 2020-04-22. Review status: criteria provided, single submitter. Criteria: GeneDx Variant Classification Process June 2021. Collection method: clinical testing. Allele origin: germline. Affected: yes.
Comment: Reported in association with LQTS and CPVT, also described as "ARVD2" in some publications (Tiso et al., 2001; Bauce et al., 2002; Tester et al., 2005; Berge et al., 2008; Haugaa et al., 2010); Reported in ClinVar as a pathogenic variant (ClinVar Variant ID# 201194; Landrum et al., 2016); Not observed in large population cohorts (Lek et al., 2016); In silico analysis supports that this missense variant has a deleterious effect on protein structure/function; Published functional studies demonstrate a damaging effect as mice that are heterozygous for this variant developed frequent PVCs with isoproterenol while the wild-type mice did not and concluded that R176Q is sufficient to cause catecholamine-induced VT (Kannankeril et al., 2006; Mathur et al., 2009); Additional published functional studies demonstrate a damaging effect in HEK293 cells as this variant results an increase in peak calcium release (Thomas et al., 2004; Jiang et al., 2005; Tang et al., 2012); Located in one of the three hot-spot regions of the RYR2 gene, where the majority of pathogenic missense variants occur (Medeiros-Domingo et al., 2009); This variant is associated with the following publications: (PMID: 19603549, 24136861, 22158709, 23978697, 23152493, 11159936, 31112425, 19226252, 24025405, 16239587, 15364613, 25372681, 16873551, 16188589, 20106799, 22374134, 20009080, 12106942, 18752142, 19926015, 25901278)

Baylor Genetics
Classification: Pathogenic for Catecholaminergic polymorphic ventricular tachycardia 1. Last evaluated: 2020-01-11. Review status: criteria provided, single submitter. Criteria: ACMG Guidelines, 2015. Collection method: clinical testing. Allele origin: unknown. Affected: yes.
Comment: This variant was determined to be pathogenic according to ACMG Guidelines, 2015 [PMID:25741868].

Center for Medical Genetics Ghent, University of Ghent
Classification: Pathogenic for Catecholaminergic polymorphic ventricular tachycardia 1. Last evaluated: 2016-01-01. Review status: criteria provided, single submitter. Criteria: ACMG Guidelines, 2015. Collection method: clinical testing. Allele origin: germline. Affected: yes.

Literature cited by the submitters: PubMed 11159936 (cited by Ambry Genetics and Labcorp Genetics (formerly Invitae), Labcorp); PubMed 16188589 (cited by 3 submitters); PubMed 16873551 (cited by Ambry Genetics and Labcorp Genetics (formerly Invitae), Labcorp); PubMed 18752142 (cited by 3 submitters); PubMed 19926015 (cited by Ambry Genetics and Center for Medical Genetics Ghent, University of Ghent); PubMed 20106799 (cited by 3 submitters); PubMed 21454795 (cited by Ambry Genetics and Center for Medical Genetics Ghent, University of Ghent); PubMed 22374134 (cited by Ambry Genetics); PubMed 27838126 (cited by Ambry Genetics); PubMed 30355031 (cited by Ambry Genetics); PubMed 31112425 (cited by Ambry Genetics); PubMed 20157052 (cited by Labcorp Genetics (formerly Invitae), Labcorp); PubMed 27482086 (cited by Labcorp Genetics (formerly Invitae), Labcorp); PubMed 24025405 (cited by Center for Medical Genetics Ghent, University of Ghent); PubMed 24136861 (cited by Center for Medical Genetics Ghent, University of Ghent).